The following is an entry in ClinVar:

ClinVar aggregate classification (germline): Uncertain significance (1 of 4 stars; one submission).

Conditions:
IFT74-related disorder. Also called: IFT74-related condition; IFT74-Related Disorders.

Submission:

PreventionGenetics, part of Exact Sciences
Classification: Uncertain significance for IFT74-related condition. Last evaluated: 2026-05-11. Review status: criteria provided, single submitter. Criteria: ACMG Guidelines, 2015. Collection method: clinical testing. Allele origin: germline.
Comment: The IFT74 c.877G>A variant is predicted to result in the amino acid substitution p.Ala293Thr. To our knowledge, this variant has not been reported in the literature or in a large population database (gnomAD), indicating this variant is rare. At this time, the clinical significance of this variant is uncertain due to the absence of conclusive functional and genetic evidence.

NM_025103.4(IFT74):c.877G>A (p.Ala293Thr)

Gene: IFT74 (intraflagellar transport 74; plus strand). Cytogenetic location: 9p21.2.
Variant type: single nucleotide variant.
Coding change: c.877G>A on transcript NM_025103.4 (MANE Select); coding-DNA position 877, G replaced by A.
Protein change: p.Ala293Thr; replaces alanine 293 with threonine.
Molecular consequence: missense variant.
Genome position (GRCh38, 1-based): chr9:27,016,994, G>A. VCF-style: chr9-27016994-G-A. GRCh37 (hg19) VCF-style: chr9-27016992-G-A.
Other names: c.877G>A, p.Ala293Thr (NM_001099222.3, NM_001099223.3, NM_001099224.3 and 1 more transcripts); short protein forms A293T.
Identifiers: ClinVar variation 4999595 (VCV004999595.1).